The following is an entry in ClinVar:

NM_003922.4(HERC1):c.2775A>G (p.Ser925=)

Gene: HERC1 (HECT and RLD domain containing E3 ubiquitin protein ligase family member 1; minus strand). Cytogenetic location: 15q22.31.
Variant type: single nucleotide variant.
Coding change: c.2775A>G on transcript NM_003922.4 (MANE Select); coding-DNA position 2775, A replaced by G.
Protein change: p.Ser925=; no amino-acid change (serine 925 retained).
Molecular consequence: synonymous variant.
Genome position (GRCh38, 1-based): chr15:63,733,017, T>C on the plus strand (A>G on the coding strand, the complement: HERC1 is on the minus strand). VCF-style: chr15-63733017-T-C. GRCh37 (hg19) VCF-style: chr15-64025216-T-C.
Identifiers: ClinVar variation 739162 (VCV000739162.29), dbSNP rs369156361, ClinGen allele CA7606200.
Genomic context (GRCh38, chr15:63,733,017, plus strand): 5'-CATCAAAATTTCAGCCAGGTGGGTATCTGGATGGCAGCTCTGAGTGCCGTAAGGTTGATC[T>C]GACAGATTTCCGTAGCCAGTACACACAGAAGATAGGTCAGCAGCATCAGAGGGTGAACTA-3'
Protein context (NP_003913.3, residues 915-935): SSVCTGYGNL[Ser925=]DQPYGTQSCH

ClinVar aggregate classification (germline): Likely benign. Review status: criteria provided, multiple submitters, no conflicts (2 of 4 stars). 2 submissions from 2 submitters: Likely benign (2). Last evaluated 2024-12-02.

Allele frequency attached by ClinVar (database versions not stated): gnomAD exomes below 0.00001 and 0.00001; gnomAD 0.00001 and 0.00002; TOPMed 0.00001; ExAC 0.00002; ESP Exome Variant Server 0.00008; 1000 Genomes Project 30x 0.00016; 1000 Genomes Project 0.00020.
gnomAD v4.1: 10 of 1,614,002 alleles (0.00062%); highest among the groups gnomAD compares: African/African-American, 0.0027%; no homozygotes.

Submissions (2):

Labcorp Genetics (formerly Invitae), Labcorp
Classification: Likely benign. Last evaluated: 2024-12-02. Review status: criteria provided, single submitter. Criteria: Invitae Variant Classification Sherloc (09022015). Collection method: clinical testing. Allele origin: germline.

CeGaT Center for Human Genetics Tuebingen
Classification: Likely benign. Last evaluated: 2023-10-01. Review status: criteria provided, single submitter. Criteria: CeGaT Center For Human Genetics Tuebingen Variant Classification Criteria Version 2. Collection method: clinical testing. Allele origin: germline. Affected: yes. Observed: 1 variant allele.
Comment: HERC1: BP4, BP7